The following is an entry in ClinVar:

ClinVar aggregate classification (germline): Uncertain significance (1 of 4 stars; one submission).

Allele frequency attached by ClinVar (database versions not stated): gnomAD exomes below 0.00001.
gnomAD v4.1: 3 of 1,612,448 alleles (0.00019%); highest among the groups gnomAD compares: Non-Finnish European, 0.00025%; no homozygotes.

Submission:

Labcorp Genetics (formerly Invitae), Labcorp
Classification: Uncertain significance. Last evaluated: 2022-05-09. Review status: criteria provided, single submitter. Criteria: Invitae Variant Classification Sherloc (09022015). Collection method: clinical testing. Allele origin: germline.
Comment: This sequence change falls in intron 5 of the ERCC3 gene. It does not directly change the encoded amino acid sequence of the ERCC3 protein. It affects a nucleotide within the consensus splice site. This variant is not present in population databases (gnomAD no frequency). This variant has not been reported in the literature in individuals affected with ERCC3-related conditions. Variants that disrupt the consensus splice site are a relatively common cause of aberrant splicing (PMID: 17576681, 9536098). Algorithms developed to predict the effect of sequence changes on RNA splicing suggest that this variant may disrupt the consensus splice site. In summary, the available evidence is currently insufficient to determine the role of this variant in disease. Therefore, it has been classified as a Variant of Uncertain Significance.

Literature cited by the submitters: PubMed 17576681; PubMed 9536098.

NM_000122.2(ERCC3):c.658-3C>G

Gene: ERCC3 (ERCC excision repair 3, TFIIH core complex helicase subunit; minus strand). Cytogenetic location: 2q14.3.
Variant type: single nucleotide variant.
Coding change: c.658-3C>G on transcript NM_000122.2 (MANE Select); 3 bases into the intron before coding-DNA position 658, C replaced by G.
Molecular consequence: intron variant.
Genome position (GRCh38, 1-based): chr2:127,289,504, G>C on the plus strand (C>G on the coding strand, the complement: ERCC3 is on the minus strand). VCF-style: chr2-127289504-G-C. GRCh37 (hg19) VCF-style: chr2-128047080-G-C.
Other names: c.466-3C>G (NM_001303416.2, NM_001303418.2).
Identifiers: ClinVar variation 2129931 (VCV002129931.1), dbSNP rs2468059141, ClinGen allele CA2580063782.